The following is an entry in ClinVar:

ClinVar aggregate classification (germline): Uncertain significance (1 of 4 stars; one submission).

Conditions:
Spastic paraplegia. Identifiers: MedGen C0037772, HP:0001258.

Allele frequency attached by ClinVar (database versions not stated): ExAC 0.00001; gnomAD 0.00001; gnomAD exomes 0.00001.
gnomAD v4.1: 12 of 1,613,932 alleles (0.00074%); highest among the groups gnomAD compares: Non-Finnish European, 0.00093%; no homozygotes.

Submission:

Labcorp Genetics (formerly Invitae), Labcorp
Classification: Uncertain significance for Spastic paraplegia. Last evaluated: 2025-06-03. Review status: criteria provided, single submitter. Criteria: Invitae Variant Classification Sherloc (09022015). Collection method: clinical testing. Allele origin: germline.
Comment: This sequence change replaces valine, which is neutral and non-polar, with isoleucine, which is neutral and non-polar, at codon 180 of the ZFYVE27 protein (p.Val180Ile). This variant is present in population databases (rs751379469, gnomAD 0.002%). This variant has not been reported in the literature in individuals affected with ZFYVE27-related conditions. ClinVar contains an entry for this variant (Variation ID: 961632). An algorithm developed to predict the effect of missense changes on protein structure and function outputs the following: PolyPhen-2: "Possibly Damaging". The isoleucine amino acid residue is found in multiple mammalian species, which suggests that this missense change does not adversely affect protein function. In summary, the available evidence is currently insufficient to determine the role of this variant in disease. Therefore, it has been classified as a Variant of Uncertain Significance.

NM_001385875.1(ZFYVE27):c.538G>A (p.Val180Ile)

Gene: ZFYVE27 (zinc finger FYVE-type containing 27; plus strand). Cytogenetic location: 10q24.2.
Variant type: single nucleotide variant.
Coding change: c.538G>A on transcript NM_001385875.1 (MANE Select); coding-DNA position 538, G replaced by A.
Protein change: p.Val180Ile; replaces valine 180 with isoleucine.
Molecular consequence: missense variant. On other transcripts: non-coding transcript variant (13), intron variant (6).
Genome position (GRCh38, 1-based): chr10:97,748,351, G>A. VCF-style: chr10-97748351-G-A. GRCh37 (hg19) VCF-style: chr10-99508108-G-A.
Other names: c.538G>A, p.Val180Ile (NM_001002261.4, NM_001002262.4, NM_001385871.1 and 8 more transcripts); c.442G>A, p.Val148Ile (NM_001174119.2, NM_001385885.1, NM_001385887.1 and 1 more transcripts); c.280G>A, p.Val94Ile (NM_001174120.2, NM_001385901.1, NM_001385902.1 and 3 more transcripts); c.244G>A, p.Val82Ile (NM_001174121.2, NM_001385915.1); c.577G>A, p.Val193Ile (NM_001385876.1); c.502G>A, p.Val168Ile (NM_001385881.1); c.334G>A, p.Val112Ile (NM_001385890.1, NM_001385891.1, NM_001385892.1 and 6 more transcripts); c.301G>A, p.Val101Ile (NM_001385899.1, NM_001385900.1, NM_001385903.1 and 2 more transcripts); and 4 more; short protein forms V148I, V82I, V94I, V180I, V101I, V112I, V168I, V193I.
Identifiers: ClinVar variation 961632 (VCV000961632.7), dbSNP rs751379469, ClinGen allele CA5635197.
Genomic context (GRCh38, chr10:97,748,351, plus strand): 5'-CTGAGCCGCCTGTGCTGCACATGTGAAGCCGCCTACCGCGTGCTGCACTGGGAGAACCCC[G>A]TCGTGTCCTCACAGTGAGTGACCCCTCCTCTCCCGCCACCACCCTATAGGAATTTGCAGC-3'
Protein context (NP_001372804.1, residues 170-190): AYRVLHWENP[Val180Ile]VSSQFYGALL